The following is an entry in ClinVar:

NM_005045.4(RELN):c.1402A>T (p.Thr468Ser)

Genes: RELN (reelin; minus strand), LOC126860131 (MED14-independent group 3 enhancer GRCh37_chr7:103301048-103302247; plus strand). Cytogenetic location: 7q22.1.
Variant type: single nucleotide variant.
Coding change: c.1402A>T on transcript NM_005045.4 (MANE Select); coding-DNA position 1402, A replaced by T.
Protein change: p.Thr468Ser; replaces threonine 468 with serine.
Molecular consequence: missense variant.
Genome position (GRCh38, 1-based): chr7:103,661,415, T>A on the plus strand (A>T on the coding strand, the complement: RELN is on the minus strand). VCF-style: chr7-103661415-T-A. GRCh37 (hg19) VCF-style: chr7-103301862-T-A.
Other names: c.1402A>T, p.Thr468Ser (NM_173054.3); short protein forms T468S.
Identifiers: ClinVar variation 1426803 (VCV001426803.6), dbSNP rs1833136675, ClinGen allele CA368768082.

ClinVar aggregate classification (germline): Uncertain significance (1 of 4 stars; one submission).

Conditions:
Norman-Roberts syndrome (LIS2). Also called: Lissencephaly 2 (Norman-Roberts type). Identifiers: Orphanet 89844, MedGen C0796089, MONDO:0009760, OMIM 257320.
Familial temporal lobe epilepsy 7. Identifiers: Orphanet 101046, MedGen C4225327, MONDO:0014639, OMIM 616436.

Allele frequency attached by ClinVar (database versions not stated): gnomAD exomes below 0.00001.
gnomAD v4.1: 1 of 1,560,546 alleles (0.000064%); highest among the groups gnomAD compares: South Asian, 0.0011%; no homozygotes.

Submission:

Labcorp Genetics (formerly Invitae), Labcorp
Classification: Uncertain significance for Familial temporal lobe epilepsy 7; Norman-Roberts syndrome. Last evaluated: 2022-08-31. Review status: criteria provided, single submitter. Criteria: Invitae Variant Classification Sherloc (09022015). Collection method: clinical testing. Allele origin: germline.
Comment: In summary, the available evidence is currently insufficient to determine the role of this variant in disease. Therefore, it has been classified as a Variant of Uncertain Significance. Algorithms developed to predict the effect of missense changes on protein structure and function are either unavailable or do not agree on the potential impact of this missense change (SIFT: "Deleterious"; PolyPhen-2: "Benign"; Align-GVGD: "Class C0"). ClinVar contains an entry for this variant (Variation ID: 1426803). This variant has not been reported in the literature in individuals affected with RELN-related conditions. This variant is not present in population databases (gnomAD no frequency). This sequence change replaces threonine, which is neutral and polar, with serine, which is neutral and polar, at codon 468 of the RELN protein (p.Thr468Ser).